The following is an entry in ClinVar:

NM_000075.4(CDK4):c.689T>C (p.Ile230Thr)

Genes: CDK4 (cyclin dependent kinase 4; minus strand), TSPAN31 (tetraspanin 31; plus strand). Cytogenetic location: 12q14.1.
Variant type: single nucleotide variant.
Coding change: c.689T>C on transcript NM_000075.4 (MANE Select); coding-DNA position 689, T replaced by C.
Protein change: p.Ile230Thr; replaces isoleucine 230 with threonine.
Molecular consequence: missense variant. On other transcripts: 3 prime UTR variant (3).
Genome position (GRCh38, 1-based): chr12:57,749,312, A>G on the plus strand (T>C on the coding strand, the complement: CDK4 is on the minus strand). VCF-style: chr12-57749312-A-G. GRCh37 (hg19) VCF-style: chr12-58143095-A-G.
Other names: c.*2022A>G (NM_001330168.2, NM_001330169.2, NM_005981.5); short protein forms I230T.
Identifiers: ClinVar variation 220339 (VCV000220339.19), dbSNP rs760435132, ClinGen allele CA348173.

ClinVar aggregate classification (germline): Uncertain significance. Review status: criteria provided, multiple submitters, no conflicts (2 of 4 stars). 6 submissions from 6 submitters: Uncertain significance (5). 1 of the submissions does not count toward it. Last evaluated 2026-07-02.

Conditions:
CDK4-related disorder. Also called: CDK4-related condition.
Familial melanoma. Also called: Hereditary melanoma; Hereditary cutaneous melanoma. Identifiers: Orphanet 618, MedGen C1512419, MONDO:0018961.
Hereditary cancer-predisposing syndrome. Also called: Neoplastic Syndromes, Hereditary; Tumor predisposition; Hereditary Cancer Syndrome; Hereditary neoplastic syndrome. Identifiers: Orphanet 140162, MedGen C0027672, MeSH D009386, MONDO:0015356.
Melanoma, cutaneous malignant, susceptibility to, 3. Also called: Cutaneous malignant melanoma 3. Identifiers: Orphanet 618, MedGen C1836892, MONDO:0012183, OMIM 609048.

Allele frequency attached by ClinVar (database versions not stated): gnomAD 0.00001; gnomAD exomes 0.00001 and 0.00003; TOPMed 0.00001; ExAC 0.00002.
gnomAD v4.1: 39 of 1,614,074 alleles (0.0024%); highest among the groups gnomAD compares: Middle Eastern, 0.049%; no homozygotes.

Submissions (6):

PreventionGenetics, part of Exact Sciences
Classification: Uncertain significance for CDK4-related condition. Last evaluated: 2026-07-02. Review status: criteria provided, single submitter. Criteria: ACMG Guidelines, 2015. Collection method: clinical testing. Allele origin: germline.
Comment: The CDK4 c.689T>C variant is predicted to result in the amino acid substitution p.Ile230Thr. This variant has been reported in an individual with pediatric onset ependymoma (Table S4a, Zhang et al. 2015. PubMed ID: 26580448) and in individuals with breast cancer (Table S3, Guindalini et al. 2022. PubMed ID: 35264596; Table S3, de Oliveira et al. 2022. PubMed ID: 35534704). This variant has been reported in the control population from a melanoma cohort study (Supplement, UK10K_AD file, Pritchard et al. 2018. PubMed ID: 29641532). This variant is reported in 0.0026% of alleles in individuals of European (Non-Finnish) descent in gnomAD and is interpreted as uncertain significance in ClinVar (Variation ID: 220339). At this time, the clinical significance of this variant is uncertain due to the absence of conclusive functional and genetic evidence.

Labcorp Genetics (formerly Invitae), Labcorp
Classification: Uncertain significance for Familial melanoma. Last evaluated: 2025-11-27. Review status: criteria provided, single submitter. Criteria: Invitae Variant Classification Sherloc (09022015). Collection method: clinical testing. Allele origin: germline.
Comment: This sequence change replaces isoleucine, which is neutral and non-polar, with threonine, which is neutral and polar, at codon 230 of the CDK4 protein (p.Ile230Thr). This variant is present in population databases (rs760435132, gnomAD 0.002%). This variant has not been reported in the literature in individuals affected with CDK4-related conditions. ClinVar contains an entry for this variant (Variation ID: 220339). An algorithm developed to predict the effect of missense changes on protein structure and function (PolyPhen-2) suggests that this variant is likely to be tolerated. In summary, the available evidence is currently insufficient to determine the role of this variant in disease. Therefore, it has been classified as a Variant of Uncertain Significance.

Ambry Genetics
Classification: Uncertain significance for Hereditary cancer-predisposing syndrome. Last evaluated: 2025-10-14. Review status: criteria provided, single submitter. Criteria: Ambry Variant Classification Scheme 2023. Collection method: clinical testing. Allele origin: germline.
Comment: The p.I230T variant (also known as c.689T>C), located in coding exon 6 of the CDK4 gene, results from a T to C substitution at nucleotide position 689. The isoleucine at codon 230 is replaced by threonine, an amino acid with similar properties. This variant has been reported in 1/1120 pediatric cancer patients who underwent whole genome sequencing and/or whole exome sequencing; this patient was diagnosed with ependymoma (Zhang J et al. N Engl J Med, 2015 Dec;373:2336-2346). This alteration was also identified in 1/1358 non-cancer control individuals and in 0/57 cases, in a study looking at cancer predisposition mutations in patients with cutaneous melanoma and a history of at least two additional non-cutaneous melanoma primary cancers (Pritchard AL et al. PLoS One, 2018 Apr;13:e0194098). This amino acid position is highly conserved in available vertebrate species. In addition, this alteration is predicted to be tolerated by in silico analysis. Since supporting evidence is limited at this time, the clinical significance of this alteration remains unclear.

GeneDx
Classification: Uncertain significance. Last evaluated: 2023-01-09. Review status: criteria provided, single submitter. Criteria: GeneDx Variant Classification Process June 2021. Collection method: clinical testing. Allele origin: germline. Affected: yes.
Comment: Not observed at significant frequency in large population cohorts (gnomAD); In silico analysis supports that this missense variant has a deleterious effect on protein structure/function; Observed in a child with an ependymoma (Zhang et al., 2015); This variant is associated with the following publications: (PMID: 29641532, 26580448)

Mendelics
Classification: Uncertain significance for Cutaneous malignant melanoma 3. Last evaluated: 2018-07-02. Review status: criteria provided, single submitter. Criteria: Mendelics Assertion Criteria 2017. Collection method: clinical testing. Allele origin: unknown.

Department of Pathology and Laboratory Medicine, Sinai Health System
Classification: Uncertain significance. Review status: no assertion criteria provided. Collection method: clinical testing. Allele origin: unknown. Affected: yes. Study: The Canadian Open Genetics Repository (COGR). Not counted in ClinVar's aggregate classification.
Comment: The CDK4 p.Ile230Thr variant was not identified in the literature nor was it identified in Cosmic or LOVD 3.0. The variant was identified in dbSNP (ID: rs760435132) and in ClinVar (classified as a VUS by Invitae and Mendelics for hereditary cutaneous melanoma). The variant was also identified in control databases in 3 of 251352 chromosomes at a frequency of 0.000012 (Genome Aggregation Database Feb 27, 2017). The variant was observed in the European (non-Finnish) population in 3 of 113680 chromosomes (freq: 0.000026), but not in the African, Latino, Ashkenazi Jewish, East Asian, European (Finnish), Other or South Asian populations. The p.Ile230 residue is conserved in mammals and computational analyses (PolyPhen-2, SIFT, AlignGVGD, BLOSUM, MutationTaster) provide inconsistent predictions regarding the impact to the protein; this information is not very predictive of pathogenicity. The variant occurs outside of the splicing consensus sequence and in silico or computational prediction software programs (SpliceSiteFinder, MaxEntScan, NNSPLICE, GeneSplicer) do not predict a difference in splicing. In summary, based on the above information the clinical significance of this variant cannot be determined with certainty at this time. This variant is classified as a variant of uncertain significance.

Literature cited by the submitters: PubMed 26580448 (cited by Ambry Genetics); PubMed 29641532 (cited by Ambry Genetics).